The following is an entry in ClinVar:

ClinVar aggregate classification (germline): Uncertain significance (1 of 4 stars; one submission).

Conditions:
Cryopyrin associated periodic syndrome (CAPS). Identifiers: Orphanet 208650, MedGen C2316212, MONDO:0016168.

Submission:

Labcorp Genetics (formerly Invitae), Labcorp
Classification: Uncertain significance for Cryopyrin associated periodic syndrome. Last evaluated: 2024-06-11. Review status: criteria provided, single submitter. Criteria: Invitae Variant Classification Sherloc (09022015). Collection method: clinical testing. Allele origin: germline.
Comment: This sequence change replaces glutamic acid, which is acidic and polar, with lysine, which is basic and polar, at codon 1013 of the NLRP3 protein (p.Glu1013Lys). This variant is not present in population databases (gnomAD no frequency). This variant has not been reported in the literature in individuals affected with NLRP3-related conditions. Advanced modeling of protein sequence and biophysical properties (such as structural, functional, and spatial information, amino acid conservation, physicochemical variation, residue mobility, and thermodynamic stability) has been performed at Invitae for this missense variant, however the output from this modeling did not meet the statistical confidence thresholds required to predict the impact of this variant on NLRP3 protein function. In summary, the available evidence is currently insufficient to determine the role of this variant in disease. Therefore, it has been classified as a Variant of Uncertain Significance.

NM_001243133.2(NLRP3):c.3031G>A (p.Glu1011Lys)

Gene: NLRP3 (NLR family pyrin domain containing 3; plus strand). Cytogenetic location: 1q44.
Variant type: single nucleotide variant.
Coding change: c.3031G>A on transcript NM_001243133.2 (MANE Select); coding-DNA position 3031, G replaced by A.
Protein change: p.Glu1011Lys; replaces glutamic acid 1011 with lysine.
Molecular consequence: missense variant.
Genome position (GRCh38, 1-based): chr1:247,448,430, G>A. VCF-style: chr1-247448430-G-A. GRCh37 (hg19) VCF-style: chr1-247611732-G-A.
Other names: c.3031G>A, p.Glu1011Lys (NM_001079821.3); c.2860G>A, p.Glu954Lys (NM_001127461.3, NM_001127462.3); c.3037G>A, p.Glu1013Lys (NM_004895.5); c.2689G>A, p.Glu897Lys (NM_183395.3); short protein forms E954K, E1011K, E1013K, E897K.
Identifiers: ClinVar variation 3684502 (VCV003684502.2).